The following is an entry in ClinVar:

ClinVar aggregate classification (germline): Likely pathogenic (1 of 4 stars; one submission).

Conditions:
Methylcobalamin deficiency type cblE (HMAE). Also called: HOMOCYSTINURIA-MEGALOBLASTIC ANEMIA, cblE COMPLEMENTATION TYPE; HOMOCYSTINURIA-MEGALOBLASTIC ANEMIA, cblE TYPE; VITAMIN B12-RESPONSIVE HOMOCYSTINURIA, cblE TYPE. Identifiers: Orphanet 2169, Orphanet 622, MedGen C1856057, MONDO:0009354, OMIM 236270.

Submission:

Labcorp Genetics (formerly Invitae), Labcorp
Classification: Likely pathogenic for Methylcobalamin deficiency type cblE. Last evaluated: 2021-08-12. Review status: criteria provided, single submitter. Criteria: Invitae Variant Classification Sherloc (09022015). Collection method: clinical testing. Allele origin: germline.
Comment: This variant is a gross deletion of the genomic region encompassing exon(s) 6-11 of the MTRR gene. This variant would be expected to be in-frame, preserving the integrity of the reading frame. This variant has not been reported in the literature in individuals affected with MTRR-related conditions. Experimental studies and prediction algorithms are not available or were not evaluated, and the functional significance of this variant is currently unknown. This variant disrupts the p.Ser454 amino acid residue in MTRR. Other variant(s) that disrupt this residue have been determined to be pathogenic (PMID: 12971424, 22887477, 25978498). This suggests that this residue is clinically significant, and that variants that disrupt this residue are likely to be disease-causing. In summary, the currently available evidence indicates that the variant is pathogenic, but additional data are needed to prove that conclusively. Therefore, this variant has been classified as Likely Pathogenic.

Literature cited by the submitters: PubMed 12971424; PubMed 22887477; PubMed 25978498.

NC_000005.10:g.(?_7883145)_(7892923_?)del

Gene: MTRR (5-methyltetrahydrofolate-homocysteine methyltransferase reductase; plus strand). Cytogenetic location: 5p15.31.
Variant type: Deletion.
Identifiers: ClinVar variation 832885 (VCV000832885.7).